The following is an entry in ClinVar:

NM_001378120.1(MBD5):c.4769G>C (p.Ser1590Thr)

Gene: MBD5 (methyl-CpG binding domain protein 5; plus strand). Cytogenetic location: 2q23.1.
Variant type: single nucleotide variant.
Coding change: c.4769G>C on transcript NM_001378120.1 (MANE Select); coding-DNA position 4769, G replaced by C.
Protein change: p.Ser1590Thr; replaces serine 1590 with threonine.
Molecular consequence: missense variant.
Genome position (GRCh38, 1-based): chr2:148,490,401, G>C. VCF-style: chr2-148490401-G-C. GRCh37 (hg19) VCF-style: chr2-149247970-G-C.
Other names: c.4070G>C, p.Ser1357Thr (NM_018328.5); short protein forms S1357T, S1590T.
Identifiers: ClinVar variation 3670650 (VCV003670650.2).

ClinVar aggregate classification (germline): Uncertain significance (1 of 4 stars; one submission).

Conditions:
Intellectual developmental disorder, autosomal dominant 1. Also called: MBD5 Haploinsufficiency; Intellectual disability, autosomal dominant 1. Identifiers: Orphanet 228402, MedGen C1969562, MONDO:0007974, OMIM 156200.

Submission:

Labcorp Genetics (formerly Invitae), Labcorp
Classification: Uncertain significance for Intellectual developmental disorder, autosomal dominant 1. Last evaluated: 2024-08-20. Review status: criteria provided, single submitter. Criteria: Invitae Variant Classification Sherloc (09022015). Collection method: clinical testing. Allele origin: germline.
Comment: This sequence change replaces serine, which is neutral and polar, with threonine, which is neutral and polar, at codon 1357 of the MBD5 protein (p.Ser1357Thr). This variant is not present in population databases (gnomAD no frequency). This variant has not been reported in the literature in individuals affected with MBD5-related conditions. Experimental studies and prediction algorithms are not available or were not evaluated, and the functional significance of this variant is currently unknown. In summary, the available evidence is currently insufficient to determine the role of this variant in disease. Therefore, it has been classified as a Variant of Uncertain Significance.